The following is an entry in ClinVar:

ClinVar aggregate classification (germline): Pathogenic (1 of 4 stars; one submission).

Conditions:
Spastic paraplegia. Identifiers: MedGen C0037772, HP:0001258.

Allele frequency attached by ClinVar (database versions not stated): TOPMed below 0.00001.

Submission:

Labcorp Genetics (formerly Invitae), Labcorp
Classification: Pathogenic for Spastic paraplegia. Last evaluated: 2022-08-09. Review status: criteria provided, single submitter. Criteria: Invitae Variant Classification Sherloc (09022015). Collection method: clinical testing. Allele origin: germline.
Comment: This sequence change affects a donor splice site in intron 38 of the ZFYVE26 gene. RNA analysis indicates that disruption of this splice site induces altered splicing and may result in an absent or disrupted protein product. For these reasons, this variant has been classified as Pathogenic. Studies have shown that disruption of this splice site results in skipping of exon 38 and introduces a premature termination codon (PMID: 19805727). The resulting mRNA is expected to undergo nonsense-mediated decay. Disruption of this splice site has been observed in individuals with hereditary spastic paraplegia (PMID: 19805727, 19917823). This variant is not present in population databases (gnomAD no frequency).

Literature cited by the submitters: PubMed 19805727; PubMed 19917823.

NM_015346.4(ZFYVE26):c.7128+1G>A

Gene: ZFYVE26 (zinc finger FYVE-type containing 26; minus strand). Cytogenetic location: 14q24.1.
Variant type: single nucleotide variant.
Coding change: c.7128+1G>A on transcript NM_015346.4 (MANE Select); the canonical splice donor site of the intron after coding-DNA position 7128, G replaced by A.
Molecular consequence: splice donor variant.
Genome position (GRCh38, 1-based): chr14:67,754,070, C>T on the plus strand (G>A on the coding strand, the complement: ZFYVE26 is on the minus strand). VCF-style: chr14-67754070-C-T. GRCh37 (hg19) VCF-style: chr14-68220787-C-T.
Identifiers: ClinVar variation 2180402 (VCV002180402.4), dbSNP rs2038715253, ClinGen allele CA390159474.
Genomic context (GRCh38, chr14:67,754,070, plus strand): 5'-TTATGATAAGTGTTCTAAAAGATGACAATAGTCTGCCAGAGGTCTGAAACGCTGCATGTA[C>T]CTTGCAGGCAACATCCATTTTCATGTGGTTATTTCCAAACAGGGTTGGCAGAGGCAAAGT-3'